The following is an entry in ClinVar:

NM_017654.4(SAMD9):c.379G>T (p.Ala127Ser)

Gene: SAMD9 (sterile alpha motif domain containing 9; minus strand). Cytogenetic location: 7q21.2.
Variant type: single nucleotide variant.
Coding change: c.379G>T on transcript NM_017654.4 (MANE Select); coding-DNA position 379, G replaced by T.
Protein change: p.Ala127Ser; replaces alanine 127 with serine.
Molecular consequence: missense variant.
Genome position (GRCh38, 1-based): chr7:93,105,719, C>A on the plus strand (G>T on the coding strand, the complement: SAMD9 is on the minus strand). VCF-style: chr7-93105719-C-A. GRCh37 (hg19) VCF-style: chr7-92735032-C-A.
Other names: c.379G>T, p.Ala127Ser (NM_001193307.2); short protein forms A127S.
Identifiers: ClinVar variation 4629831 (VCV004629831.1).

ClinVar aggregate classification (germline): Uncertain significance (1 of 4 stars; one submission).

Conditions:
Inborn genetic diseases. Identifiers: MedGen C0950123, MeSH D030342.

Submission:

Ambry Genetics
Classification: Uncertain significance for Inborn genetic diseases. Last evaluated: 2025-09-27. Review status: criteria provided, single submitter. Criteria: Ambry Variant Classification Scheme 2023. Collection method: clinical testing. Allele origin: germline.
Comment: The p.A127S variant (also known as c.379G>T), located in coding exon 1 of the SAMD9 gene, results from a G to T substitution at nucleotide position 379. The alanine at codon 127 is replaced by serine, an amino acid with similar properties. This amino acid position is conserved. In addition, this alteration is predicted to be tolerated by in silico analysis. Based on the available evidence, the clinical significance of this variant remains unclear.